The following is an entry in ClinVar:

ClinVar aggregate classification (germline): Uncertain significance (1 of 4 stars; one submission).

Submission:

CeGaT Center for Human Genetics Tuebingen
Classification: Uncertain significance. Last evaluated: 2022-12-01. Review status: criteria provided, single submitter. Criteria: CeGaT Center For Human Genetics Tuebingen Variant Classification Criteria Version 2. Collection method: clinical testing. Allele origin: germline. Affected: yes. Observed: 1 variant allele.
Comment: HPS5: PM2

NM_181507.2(HPS5):c.333A>T (p.Lys111Asn)

Genes: HPS5 (HPS5 biogenesis of lysosomal organelles complex 2 subunit 2; minus strand), LOC130005404 (ATAC-STARR-seq lymphoblastoid active region 4495; plus strand). Cytogenetic location: 11p15.1.
Variant type: single nucleotide variant.
Coding change: c.333A>T on transcript NM_181507.2 (MANE Select); coding-DNA position 333, A replaced by T.
Protein change: p.Lys111Asn; replaces lysine 111 with asparagine.
Molecular consequence: missense variant. On other transcripts: 5 prime UTR variant (1).
Genome position (GRCh38, 1-based): chr11:18,310,885, T>A on the plus strand (A>T on the coding strand, the complement: HPS5 is on the minus strand). VCF-style: chr11-18310885-T-A. GRCh37 (hg19) VCF-style: chr11-18332432-T-A.
Other names: c.-10A>T (NM_181508.2, NM_007216.4); short protein forms K111N.
Identifiers: ClinVar variation 2641662 (VCV002641662.24), dbSNP rs2494194424, ClinGen allele CA379506388.